The following is an entry in ClinVar:

ClinVar aggregate classification (germline): Uncertain significance. Review status: criteria provided, multiple submitters, no conflicts (2 of 4 stars). 3 submissions from 3 submitters: Uncertain significance (3). Last evaluated 2026-02-13.

Conditions:
Intellectual developmental disorder, autosomal dominant 68 (MRD68). Also called: MENTAL RETARDATION, AUTOSOMAL DOMINANT 68. Identifiers: MedGen C5677008, MONDO:0030969, OMIM 619934.

gnomAD v4.1: 4 of 1,609,046 alleles (0.00025%); highest among the groups gnomAD compares: African/African-American, 0.0027%; no homozygotes.

Submissions (3):

OLLIN Analises Genomicas, OLLIN
Classification: Uncertain significance for Intellectual developmental disorder, autosomal dominant 68. Last evaluated: 2026-02-13. Review status: criteria provided, single submitter. Criteria: ACMG Guidelines 2015 PMID 25741868. Collection method: clinical testing. Allele origin: germline. Observed: 1 variant allele.
Comment: BP4_M

Dasa
Classification: Uncertain significance. Last evaluated: 2025-04-23. Review status: criteria provided, single submitter. Criteria: DASA Assertion Criteria. Collection method: clinical testing. Allele origin: germline.
Comment: NM_014727.3(KMT2B):c.6370C>T (p.Pro2124Ser) is a missense variant that results in the substitution of proline with serine. This variant is rare in population databases. Computational prediction algorithms are consistent with a benign effect. The currently available literature and clinical evidence are not sufficient to establish a definitive association between this variant and the reported condition. Therefore, this variant is classified as a variant of uncertain significance.

GeneDx
Classification: Uncertain significance. Last evaluated: 2024-07-11. Review status: criteria provided, single submitter. Criteria: GeneDx Variant Classification Process June 2021. Collection method: clinical testing. Allele origin: germline. Affected: yes.
Comment: Not observed at significant frequency in large population cohorts (gnomAD); In silico analysis indicates that this missense variant does not alter protein structure/function; Has not been previously published as pathogenic or benign to our knowledge

NM_014727.3(KMT2B):c.6370C>T (p.Pro2124Ser)

Gene: KMT2B (lysine methyltransferase 2B; plus strand). Cytogenetic location: 19q13.12.
Variant type: single nucleotide variant.
Coding change: c.6370C>T on transcript NM_014727.3 (MANE Select); coding-DNA position 6370, C replaced by T.
Protein change: p.Pro2124Ser; replaces proline 2124 with serine.
Molecular consequence: missense variant.
Genome position (GRCh38, 1-based): chr19:35,732,919, C>T. VCF-style: chr19-35732919-C-T. GRCh37 (hg19) VCF-style: chr19-36223820-C-T.
Other names: short protein forms P2124S.
Identifiers: ClinVar variation 3572540 (VCV003572540.4).
Genomic context (GRCh38, chr19:35,732,919, plus strand): 5'-CGGCCTCCTGAGGACCTGCCATCGGAAATTGTGGATTTTGTGTTGAAGAACCTAGGGGGT[C>T]CTGGGGATGGAGGTGCTGGCCCTAGAGAGGAGTCACTCCCCCCGGCGCCTCCCCTGGCTA-3'
Protein context (NP_055542.1, residues 2114-2134): VDFVLKNLGG[Pro2124Ser]GDGGAGPREE